The following is an entry in ClinVar:

NM_002907.4(RECQL):c.292G>T (p.Glu98Ter)

Gene: RECQL (RecQ like helicase; minus strand). Cytogenetic location: 12p12.1.
Variant type: single nucleotide variant.
Coding change: c.292G>T on transcript NM_002907.4 (MANE Select); coding-DNA position 292, G replaced by T.
Protein change: p.Glu98Ter; replaces glutamic acid 98 with a stop codon.
Molecular consequence: nonsense.
Genome position (GRCh38, 1-based): chr12:21,490,301, C>A on the plus strand (G>T on the coding strand, the complement: RECQL is on the minus strand). VCF-style: chr12-21490301-C-A. GRCh37 (hg19) VCF-style: chr12-21643235-C-A.
Other names: c.292G>T, p.Glu98Ter (NM_032941.3); c.292G>T (NM_002907.3); short protein forms E98*.
Identifiers: ClinVar variation 801387 (VCV000801387.2), dbSNP rs1010112210, ClinGen allele CA233583181.

ClinVar aggregate classification (germline): Conflicting classifications of pathogenicity. Review status: criteria provided, conflicting classifications (1 of 4 stars). 2 submissions from 2 submitters: Likely pathogenic (1); Uncertain significance (1). Last evaluated 2024-06-10.

Conditions:
Hereditary cancer-predisposing syndrome. Also called: Tumor predisposition; Neoplastic Syndromes, Hereditary; Hereditary Cancer Syndrome; Hereditary neoplastic syndrome. Identifiers: Orphanet 140162, MedGen C0027672, MeSH D009386, MONDO:0015356.

Submissions (2):

Ambry Genetics
Classification: Uncertain significance. Last evaluated: 2024-06-10. Review status: criteria provided, single submitter. Criteria: Ambry Variant Classification Scheme 2023. Collection method: clinical testing. Allele origin: germline.
Comment: The p.E98* variant (also known as c.292G>T), located in coding exon 3 of the RECQL gene, results from a G to T substitution at nucleotide position 292. This changes the amino acid from a glutamic acid to a stop codon within coding exon 3. This alteration is expected to result in loss of function by premature protein truncation or nonsense-mediated mRNA decay. The evidence for this gene-disease relationship is limited; therefore, the clinical significance of this alteration is unclear.

Mendelics
Classification: Likely pathogenic for Hereditary cancer-predisposing syndrome. Last evaluated: 2019-05-28. Review status: criteria provided, single submitter. Criteria: Mendelics Assertion Criteria 2017. Collection method: clinical testing. Allele origin: unknown.